The following is an entry in ClinVar:

ClinVar aggregate classification (germline): Uncertain significance (1 of 4 stars; one submission).

Conditions:
Neuronal ceroid lipofuscinosis. Also called: Neuronal Ceroid Lipofuscinoses. Identifiers: Orphanet 216, Orphanet 79263, MedGen C0027877, MONDO:0016295. Disease mechanism: loss of function.

Allele frequency attached by ClinVar (database versions not stated): gnomAD 0.00001; gnomAD exomes 0.00001.
gnomAD v4.1: 4 of 1,593,352 alleles (0.00025%); highest among the groups gnomAD compares: African/African-American, 0.0014%; no homozygotes.

Submission:

Labcorp Genetics (formerly Invitae), Labcorp
Classification: Uncertain significance for Neuronal ceroid lipofuscinosis. Last evaluated: 2022-08-21. Review status: criteria provided, single submitter. Criteria: Invitae Variant Classification Sherloc (09022015). Collection method: clinical testing. Allele origin: germline.
Comment: In summary, the available evidence is currently insufficient to determine the role of this variant in disease. Therefore, it has been classified as a Variant of Uncertain Significance. Algorithms developed to predict the effect of missense changes on protein structure and function are either unavailable or do not agree on the potential impact of this missense change (SIFT: "Deleterious"; PolyPhen-2: "Benign"; Align-GVGD: "Class C0"). This variant has not been reported in the literature in individuals affected with CLN5-related conditions. This variant is not present in population databases (gnomAD no frequency). This sequence change replaces isoleucine, which is neutral and non-polar, with threonine, which is neutral and polar, at codon 390 of the CLN5 protein (p.Ile390Thr).

NM_006493.4(CLN5):c.1022T>C (p.Ile341Thr)

Gene: CLN5 (CLN5 lysosomal BMP synthase; plus strand). Cytogenetic location: 13q22.3.
Variant type: single nucleotide variant.
Coding change: c.1022T>C on transcript NM_006493.4 (MANE Select); coding-DNA position 1022, T replaced by C.
Protein change: p.Ile341Thr; replaces isoleucine 341 with threonine.
Molecular consequence: missense variant. On other transcripts: 3 prime UTR variant (1).
Genome position (GRCh38, 1-based): chr13:77,000,914, T>C. VCF-style: chr13-77000914-T-C. GRCh37 (hg19) VCF-style: chr13-77575049-T-C.
Other names: c.*471T>C (NM_001366624.2); short protein forms I341T, I390T.
Identifiers: ClinVar variation 2084789 (VCV002084789.2), dbSNP rs2034350570, ClinGen allele CA388314816.
Genomic context (GRCh38, chr13:77,000,914, plus strand): 5'-TCTATTTGTTTTATAATTTTGAATATTGGTTTTTACCTATGAAATTCCCTTTTATTAAAA[T>C]AACATATGAAGAAATCCCTTTACCTATCAGAAACAAAACACTCTCTGGTTTATAAAACAC-3'
Protein context (NP_006484.2, residues 331-351): FLPMKFPFIK[Ile341Thr]TYEEIPLPIR